The following is an entry in ClinVar:

NM_005560.6(LAMA5):c.7568A>G (p.Asn2523Ser)

Gene: LAMA5 (laminin subunit alpha 5; minus strand). Cytogenetic location: 20q13.33.
Variant type: single nucleotide variant.
Coding change: c.7568A>G on transcript NM_005560.6 (MANE Select); coding-DNA position 7568, A replaced by G.
Protein change: p.Asn2523Ser; replaces asparagine 2523 with serine.
Molecular consequence: missense variant.
Genome position (GRCh38, 1-based): chr20:62,316,967, T>C on the plus strand (A>G on the coding strand, the complement: LAMA5 is on the minus strand). VCF-style: chr20-62316967-T-C. GRCh37 (hg19) VCF-style: chr20-60892023-T-C.
Other names: short protein forms N2523S.
Identifiers: ClinVar variation 2891325 (VCV002891325.1), dbSNP rs377744524, ClinGen allele CA9941163.

ClinVar aggregate classification (germline): Uncertain significance (1 of 4 stars; one submission).

Allele frequency attached by ClinVar (database versions not stated): ExAC 0.00006; gnomAD 0.00011; TOPMed 0.00011; gnomAD exomes 0.00012; ESP Exome Variant Server 0.00015.
gnomAD v4.1: 186 of 1,567,810 alleles (0.012%); highest among the groups gnomAD compares: Non-Finnish European, 0.015%; no homozygotes.

Submission:

Labcorp Genetics (formerly Invitae), Labcorp
Classification: Uncertain significance. Last evaluated: 2022-12-18. Review status: criteria provided, single submitter. Criteria: Invitae Variant Classification Sherloc (09022015). Collection method: clinical testing. Allele origin: germline.
Comment: In summary, the available evidence is currently insufficient to determine the role of this variant in disease. Therefore, it has been classified as a Variant of Uncertain Significance. Advanced modeling of protein sequence and biophysical properties (such as structural, functional, and spatial information, amino acid conservation, physicochemical variation, residue mobility, and thermodynamic stability) performed at Invitae indicates that this missense variant is not expected to disrupt LAMA5 protein function. This variant has not been reported in the literature in individuals affected with LAMA5-related conditions. This variant is present in population databases (rs377744524, gnomAD 0.02%). This sequence change replaces asparagine, which is neutral and polar, with serine, which is neutral and polar, at codon 2523 of the LAMA5 protein (p.Asn2523Ser).